The following is an entry in ClinVar:

NM_003482.4(KMT2D):c.15889A>T (p.Thr5297Ser)

Gene: KMT2D (lysine methyltransferase 2D; minus strand). Cytogenetic location: 12q13.12.
Variant type: single nucleotide variant.
Coding change: c.15889A>T on transcript NM_003482.4 (MANE Select); coding-DNA position 15889, A replaced by T.
Protein change: p.Thr5297Ser; replaces threonine 5297 with serine.
Molecular consequence: missense variant.
Genome position (GRCh38, 1-based): chr12:49,024,842, T>A on the plus strand (A>T on the coding strand, the complement: KMT2D is on the minus strand). VCF-style: chr12-49024842-T-A. GRCh37 (hg19) VCF-style: chr12-49418625-T-A.
Other names: short protein forms T5297S.
Identifiers: ClinVar variation 1313244 (VCV001313244.2), dbSNP rs2137711517, ClinGen allele CA384682689.

ClinVar aggregate classification (germline): Uncertain significance (1 of 4 stars; one submission).

Submission:

GeneDx
Classification: Uncertain significance. Last evaluated: 2020-10-13. Review status: criteria provided, single submitter. Criteria: GeneDx Variant Classification Process June 2021. Collection method: clinical testing. Allele origin: germline. Affected: yes.
Comment: Not observed in large population cohorts (Lek et al., 2016); In silico analysis supports that this missense variant has a deleterious effect on protein structure/function; Has not been previously published as pathogenic or benign to our knowledge